The following is an entry in ClinVar:

NM_000535.7(PMS2):c.2417T>A (p.Met806Lys)

Gene: PMS2 (PMS1 homolog 2, mismatch repair system component; minus strand). Cytogenetic location: 7p22.1.
Variant type: single nucleotide variant.
Coding change: c.2417T>A on transcript NM_000535.7 (MANE Select); coding-DNA position 2417, T replaced by A.
Protein change: p.Met806Lys; replaces methionine 806 with lysine.
Molecular consequence: missense variant. On other transcripts: non-coding transcript variant (1).
Genome position (GRCh38, 1-based): chr7:5,977,616, A>T on the plus strand (T>A on the coding strand, the complement: PMS2 is on the minus strand). VCF-style: chr7-5977616-A-T. GRCh37 (hg19) VCF-style: chr7-6017247-A-T.
Other names: c.2450T>A, p.Met817Lys (NM_001322014.2); c.2108T>A, p.Met703Lys (NM_001322015.2, NM_001406877.1, NM_001406878.1 and 4 more transcripts); c.2603T>A, p.Met868Lys (NM_001406866.1); c.2441T>A, p.Met814Lys (NM_001406868.1); c.2309T>A, p.Met770Lys (NM_001406869.1); c.2294T>A, p.Met765Lys (NM_001406870.1); c.2273T>A, p.Met758Lys (NM_001406871.1); c.2249T>A, p.Met750Lys (NM_001406872.1, NM_001406874.1); and 20 more; short protein forms M549K, M698K, M711K, M754K, M806K, M814K, M619K, M635K.
Identifiers: ClinVar variation 3935140 (VCV003935140.1).

ClinVar aggregate classification (germline): Uncertain significance (1 of 4 stars; one submission).

Conditions:
Hereditary cancer-predisposing syndrome. Also called: Tumor predisposition; Hereditary neoplastic syndrome; Hereditary Cancer Syndrome; Neoplastic Syndromes, Hereditary. Identifiers: Orphanet 140162, MedGen C0027672, MeSH D009386, MONDO:0015356.

gnomAD v4.1: 1 of 1,589,446 alleles (0.000063%); highest among the groups gnomAD compares: Non-Finnish European, 0.000086%; no homozygotes.

Submission:

Ambry Genetics
Classification: Uncertain significance for Hereditary cancer-predisposing syndrome. Last evaluated: 2025-05-07. Review status: criteria provided, single submitter. Criteria: Ambry Variant Classification Scheme 2023. Collection method: clinical testing. Allele origin: germline.
Comment: The p.M806K variant (also known as c.2417T>A), located in coding exon 14 of the PMS2 gene, results from a T to A substitution at nucleotide position 2417. The methionine at codon 806 is replaced by lysine, an amino acid with similar properties. This amino acid position is conserved. In addition, this alteration is predicted to be deleterious by in silico analysis. Based on the available evidence, the clinical significance of this variant remains unclear.